The following is an entry in ClinVar:

NM_006846.4(SPINK5):c.2261A>G (p.Lys754Arg)

Gene: SPINK5 (serine peptidase inhibitor Kazal type 5; plus strand). Cytogenetic location: 5q32.
Variant type: single nucleotide variant.
Coding change: c.2261A>G on transcript NM_006846.4 (MANE Select); coding-DNA position 2261, A replaced by G.
Protein change: p.Lys754Arg; replaces lysine 754 with arginine.
Molecular consequence: missense variant.
Genome position (GRCh38, 1-based): chr5:148,119,006, A>G. VCF-style: chr5-148119006-A-G. GRCh37 (hg19) VCF-style: chr5-147498569-A-G.
Other names: c.2261A>G, p.Lys754Arg (NM_001127698.2, NM_001127699.2); short protein forms K754R.
Identifiers: ClinVar variation 1043790 (VCV001043790.9), dbSNP rs758718125, ClinGen allele CA3495929.

ClinVar aggregate classification (germline): Uncertain significance (1 of 4 stars; one submission).

Conditions:
Ichthyosis linearis circumflexa. Identifiers: MedGen C0265962, MONDO:0043106, HP:0025810.

Allele frequency attached by ClinVar (database versions not stated): gnomAD exomes 0.00001 and 0.00003; TOPMed 0.00001; ExAC 0.00002.
gnomAD v4.1: 8 of 1,614,076 alleles (0.0005%); highest among the groups gnomAD compares: Admixed American, 0.013%; no homozygotes.

Submission:

Labcorp Genetics (formerly Invitae), Labcorp
Classification: Uncertain significance for Ichthyosis linearis circumflexa. Last evaluated: 2024-11-18. Review status: criteria provided, single submitter. Criteria: Invitae Variant Classification Sherloc (09022015). Collection method: clinical testing. Allele origin: germline.
Comment: This sequence change replaces lysine, which is basic and polar, with arginine, which is basic and polar, at codon 754 of the SPINK5 protein (p.Lys754Arg). This variant is present in population databases (rs758718125, gnomAD 0.02%). This variant has not been reported in the literature in individuals affected with SPINK5-related conditions. ClinVar contains an entry for this variant (Variation ID: 1043790). Invitae Evidence Modeling of protein sequence and biophysical properties (such as structural, functional, and spatial information, amino acid conservation, physicochemical variation, residue mobility, and thermodynamic stability) indicates that this missense variant is not expected to disrupt SPINK5 protein function with a negative predictive value of 80%. In summary, the available evidence is currently insufficient to determine the role of this variant in disease. Therefore, it has been classified as a Variant of Uncertain Significance.